The following is an entry in ClinVar:

ClinVar aggregate classification (germline): Uncertain significance. Review status: criteria provided, multiple submitters, no conflicts (2 of 4 stars). 2 submissions from 2 submitters: Uncertain significance (2). Last evaluated 2025-04-03.

Conditions:
Inborn genetic diseases. Identifiers: MedGen C0950123, MeSH D030342.

gnomAD v4.1: 2 of 1,613,918 alleles (0.00012%); highest among the groups gnomAD compares: Non-Finnish European, 0.00017%; no homozygotes.

Submissions (2):

Ambry Genetics
Classification: Uncertain significance for Inborn genetic diseases. Last evaluated: 2025-04-03. Review status: criteria provided, single submitter. Criteria: Ambry Variant Classification Scheme 2023. Collection method: clinical testing. Allele origin: germline.
Comment: The p.T325I variant (also known as c.974C>T), located in coding exon 9 of the ANKRD26 gene, results from a C to T substitution at nucleotide position 974. The threonine at codon 325 is replaced by isoleucine, an amino acid with similar properties. This amino acid position is conserved. In addition, this alteration is predicted to be tolerated by in silico analysis. Based on the available evidence, the clinical significance of this variant remains unclear.

Labcorp Genetics (formerly Invitae), Labcorp
Classification: Uncertain significance. Last evaluated: 2023-01-22. Review status: criteria provided, single submitter. Criteria: Invitae Variant Classification Sherloc (09022015). Collection method: clinical testing. Allele origin: germline.
Comment: In summary, the available evidence is currently insufficient to determine the role of this variant in disease. Therefore, it has been classified as a Variant of Uncertain Significance. Algorithms developed to predict the effect of missense changes on protein structure and function (SIFT, PolyPhen-2, Align-GVGD) all suggest that this variant is likely to be tolerated. This variant has not been reported in the literature in individuals affected with ANKRD26-related conditions. This variant is present in population databases (no rsID available, gnomAD 0.0009%). This sequence change replaces threonine, which is neutral and polar, with isoleucine, which is neutral and non-polar, at codon 325 of the ANKRD26 protein (p.Thr325Ile).

NM_014915.3(ANKRD26):c.974C>T (p.Thr325Ile)

Gene: ANKRD26 (ankyrin repeat domain 26; minus strand). Cytogenetic location: 10p12.1.
Variant type: single nucleotide variant.
Coding change: c.974C>T on transcript NM_014915.3 (MANE Select); coding-DNA position 974, C replaced by T.
Protein change: p.Thr325Ile; replaces threonine 325 with isoleucine.
Molecular consequence: missense variant.
Genome position (GRCh38, 1-based): chr10:27,077,441, G>A on the plus strand (C>T on the coding strand, the complement: ANKRD26 is on the minus strand). VCF-style: chr10-27077441-G-A. GRCh37 (hg19) VCF-style: chr10-27366370-G-A.
Other names: c.974C>T, p.Thr325Ile (NM_001256053.2); short protein forms T325I.
Identifiers: ClinVar variation 2713008 (VCV002713008.4), dbSNP rs1163599010, ClinGen allele CA376361766.
Genomic context (GRCh38, chr10:27,077,441, plus strand): 5'-GGAAGAAGGTCAGGTGATTGATAGGTAGGATGAGAAAAGCACTGGACTTTGATTGATGTT[G>A]TAGGAAGGCTTTCAACCACAACTTCATCTTGACTATCGGAATCTCTATCCTCAAACAAAG-3'
Protein context (NP_055730.2, residues 315-335): QDEVVVESLP[Thr325Ile]TSIKVQCFSH